The following is an entry in ClinVar:

ClinVar aggregate classification (germline): Uncertain significance (1 of 4 stars; one submission).

Conditions:
Hereditary cancer-predisposing syndrome. Also called: Neoplastic Syndromes, Hereditary; Tumor predisposition; Hereditary Cancer Syndrome; Hereditary neoplastic syndrome. Identifiers: Orphanet 140162, MedGen C0027672, MeSH D009386, MONDO:0015356.

Submission:

Ambry Genetics
Classification: Uncertain significance for Hereditary cancer-predisposing syndrome. Last evaluated: 2020-11-25. Review status: criteria provided, single submitter. Criteria: Ambry Variant Classification Scheme 2023. Collection method: clinical testing. Allele origin: germline.
Comment: The p.G101A variant (also known as c.302G>C), located in coding exon 2 of the SMARCA4 gene, results from a G to C substitution at nucleotide position 302. The glycine at codon 101 is replaced by alanine, an amino acid with similar properties. This amino acid position is well conserved in available vertebrate species. In addition, this alteration is predicted to be tolerated by in silico analysis. Since supporting evidence is limited at this time, the clinical significance of this alteration remains unclear.

NM_003072.5(SMARCA4):c.302G>C (p.Gly101Ala)

Gene: SMARCA4 (SWI/SNF related BAF chromatin remodeling complex subunit ATPase 4; plus strand). Cytogenetic location: 19p13.2.
Variant type: single nucleotide variant.
Coding change: c.302G>C on transcript NM_003072.5 (MANE Select); coding-DNA position 302, G replaced by C.
Protein change: p.Gly101Ala; replaces glycine 101 with alanine.
Molecular consequence: missense variant. On other transcripts: non-coding transcript variant (1).
Genome position (GRCh38, 1-based): chr19:10,985,352, G>C. VCF-style: chr19-10985352-G-C. GRCh37 (hg19) VCF-style: chr19-11096028-G-C.
Other names: c.302G>C, p.Gly101Ala (NM_001128844.3, NM_001128845.2, NM_001128846.2 and 6 more transcripts); short protein forms G101A.
Identifiers: ClinVar variation 1799020 (VCV001799020.2), dbSNP rs1555752083, ClinGen allele CA404055252.